The following is an entry in ClinVar:

NM_020066.5(FMN2):c.2823A>C (p.Gly941=)

Gene: FMN2 (formin 2; plus strand). Cytogenetic location: 1q43.
Variant type: single nucleotide variant.
Coding change: c.2823A>C on transcript NM_020066.5 (MANE Select); coding-DNA position 2823, A replaced by C.
Protein change: p.Gly941=; no amino-acid change (glycine 941 retained).
Molecular consequence: synonymous variant. On other transcripts: intron variant (1).
Genome position (GRCh38, 1-based): chr1:240,207,635, A>C. VCF-style: chr1-240207635-A-C. GRCh37 (hg19) VCF-style: chr1-240370935-A-C.
Other names: c.2835A>C, p.Gly945= (NM_001305424.2); c.1986+19373A>C (NM_001348094.2).
Identifiers: ClinVar variation 435227 (VCV000435227.34), dbSNP rs188083977, ClinGen allele CA1476780.

ClinVar aggregate classification (germline): Likely benign. Review status: criteria provided, multiple submitters, no conflicts (2 of 4 stars). 6 submissions from 6 submitters: Likely benign (6). Last evaluated 2025-02-16.

Conditions:
FMN2-related disorder. Also called: FMN2-related condition.

Allele frequency attached by ClinVar (database versions not stated): gnomAD exomes 0.00055; ExAC 0.00074.

Submissions (6):

Laboratory of Genetics, Children's Clinical University Hospital Latvia
Classification: Likely benign. Last evaluated: 2025-02-16. Review status: criteria provided, single submitter. Criteria: ACMG Guidelines, 2015. Collection method: clinical testing. Allele origin: germline. Affected: yes.

Blueprint Genetics
Classification: Likely benign. Last evaluated: 2024-08-27. Review status: criteria provided, single submitter. Criteria: ACMG Guidelines, 2015. Collection method: clinical testing. Allele origin: germline.

CeGaT Center for Human Genetics Tuebingen
Classification: Likely benign. Last evaluated: 2022-11-01. Review status: criteria provided, single submitter. Criteria: CeGaT Center For Human Genetics Tuebingen Variant Classification Criteria Version 2. Collection method: clinical testing. Allele origin: germline. Affected: yes. Observed: 1 variant allele.
Comment: FMN2: BP4, BP7

PreventionGenetics, part of Exact Sciences
Classification: Likely benign for FMN2-related condition. Last evaluated: 2019-06-21. Review status: criteria provided, single submitter. Criteria: ACMG Guidelines, 2015. Collection method: clinical testing. Allele origin: germline.
Comment: This variant is classified as likely benign based on ACMG/AMP sequence variant interpretation guidelines (Richards et al. 2015 PMID: 25741868, with internal and published modifications).

Genetic Services Laboratory, University of Chicago
Classification: Likely benign. Last evaluated: 2015-09-18. Review status: criteria provided, single submitter. Criteria: ACMG Guidelines, 2015. Collection method: clinical testing. Allele origin: germline. Affected: no.

Breakthrough Genomics
Classification: Likely benign. Review status: criteria provided, single submitter. Criteria: ACMG Guidelines, 2015. Collection method: not provided. Allele origin: germline. Inheritance: Autosomal recessive inheritance. Affected: yes.